The following is an entry in ClinVar:

ClinVar aggregate classification (germline): Uncertain significance (1 of 4 stars; one submission).

Conditions:
Hereditary cancer-predisposing syndrome. Also called: Neoplastic Syndromes, Hereditary; Tumor predisposition; Hereditary neoplastic syndrome; Hereditary Cancer Syndrome. Identifiers: Orphanet 140162, MedGen C0027672, MeSH D009386, MONDO:0015356.

Submission:

Ambry Genetics
Classification: Uncertain significance for Hereditary cancer-predisposing syndrome. Last evaluated: 2026-07-07. Review status: criteria provided, single submitter. Criteria: Ambry Variant Classification Scheme 2023. Collection method: clinical testing. Allele origin: germline.
Comment: The p.K263E variant (also known as c.787A>G), located in coding exon 6 of the FH gene, results from an A to G substitution at nucleotide position 787. The lysine at codon 263 is replaced by glutamic acid, an amino acid with similar properties. This amino acid position is conserved. In addition, the in silico prediction for this alteration is inconclusive. Based on the available evidence, the clinical significance of this variant remains unclear.

NM_000143.4(FH):c.787A>G (p.Lys263Glu)

Gene: FH (fumarate hydratase; minus strand). Cytogenetic location: 1q43.
Variant type: single nucleotide variant.
Coding change: c.787A>G on transcript NM_000143.4 (MANE Select); coding-DNA position 787, A replaced by G.
Protein change: p.Lys263Glu; replaces lysine 263 with glutamic acid.
Molecular consequence: missense variant.
Genome position (GRCh38, 1-based): chr1:241,506,120, T>C on the plus strand (A>G on the coding strand, the complement: FH is on the minus strand). VCF-style: chr1-241506120-T-C. GRCh37 (hg19) VCF-style: chr1-241669420-T-C.
Other names: short protein forms K263E.
Identifiers: ClinVar variation 5021764 (VCV005021764.1).
Genomic context (GRCh38, chr1:241,506,120, plus strand): 5'-AACCTGTACCAACAGCAGTGCCTCCAGCTGCGAGCTCATAGATTCTTGGCATGGCAGCTT[T>C]TATTCTTGTCATTGCATATTTTACTTGTTGAACATAACCACTAAATTCCTGAAAAGAAAA-3'
Protein context (NP_000134.2, residues 253-273): QQVKYAMTRI[Lys263Glu]AAMPRIYELA